The following is an entry in ClinVar:

ClinVar aggregate classification (germline): Pathogenic (1 of 4 stars; one submission).

Conditions:
Hyperinsulinemic hypoglycemia, familial, 1 (HHF1). Also called: HYPERINSULINISM, FAMILIAL, WITH PANCREATIC NESIDIOBLASTOSIS; HYPOGLYCEMIA, HYPERINSULINEMIC, OF INFANCY; NESIDIOBLASTOSIS OF PANCREAS; Persistent Hyperinsulinemia Hypoglycemia of Infancy; Persistent hyperinsulinemic hypoglycemia of infancy. Identifiers: Orphanet 276575, Orphanet 276598, MedGen C2931832, MONDO:0009734, OMIM 256450.

Submission:

Myriad Genetics, Inc.
Classification: Pathogenic for Hyperinsulinemic hypoglycemia, familial, 1. Last evaluated: 2025-09-25. Review status: criteria provided, single submitter. Criteria: Myriad Autosomal Dominant, Autosomal Recessive and X-Linked Classification Criteria (2023). Collection method: clinical testing. Allele origin: unknown.
Comment: NM_000352.3(ABCC8):c.3280A>T(K1094*) is expected to be pathogenic in the context of familial hyperinsulinism, ABCC8-related. This variant is predicted to lead to an abnormal or absent protein product due to the creation of a premature termination codon in ABCC8, a gene where loss-of-function variants are known to be pathogenic. Please note: this variant was assessed in the context of healthy population screening.

NM_000352.6(ABCC8):c.3280A>T (p.Lys1094Ter)

Gene: ABCC8 (ATP binding cassette subfamily C member 8; minus strand). Cytogenetic location: 11p15.1.
Variant type: single nucleotide variant.
Coding change: c.3280A>T on transcript NM_000352.6 (MANE Select); coding-DNA position 3280, A replaced by T.
Protein change: p.Lys1094Ter; replaces lysine 1094 with a stop codon.
Molecular consequence: nonsense. On other transcripts: non-coding transcript variant (1).
Genome position (GRCh38, 1-based): chr11:17,406,671, T>A on the plus strand (A>T on the coding strand, the complement: ABCC8 is on the minus strand). VCF-style: chr11-17406671-T-A. GRCh37 (hg19) VCF-style: chr11-17428218-T-A.
Other names: c.3283A>T, p.Lys1095Ter (NM_001287174.3); c.3346A>T, p.Lys1116Ter (NM_001351295.2); c.3280A>T, p.Lys1094Ter (NM_001351296.2); c.3277A>T, p.Lys1093Ter (NM_001351297.2); short protein forms K1093*, K1094*, K1095*, K1116*.
Identifiers: ClinVar variation 5015022 (VCV005015022.1).